The following is an entry in ClinVar:

ClinVar aggregate classification (germline): Uncertain significance (1 of 4 stars; one submission).

Conditions:
LAMA5-related disorder. Also called: LAMA5-related condition; LAMA5-Related Disorders.

gnomAD v4.1: 3 of 1,611,326 alleles (0.00019%); highest among the groups gnomAD compares: Non-Finnish European, 0.00017%; no homozygotes.

Submission:

PreventionGenetics, part of Exact Sciences
Classification: Uncertain significance for LAMA5-related condition. Last evaluated: 2022-11-30. Review status: criteria provided, single submitter. Criteria: ACMG Guidelines, 2015. Collection method: clinical testing. Allele origin: germline.
Comment: The LAMA5 c.10786C>G variant is predicted to result in the amino acid substitution p.Arg3596Gly. To our knowledge, this variant has not been reported in the literature or in a large population database, indicating this variant is rare. At this time, the clinical significance of this variant is uncertain due to the absence of conclusive functional and genetic evidence.

NM_005560.6(LAMA5):c.10786C>G (p.Arg3596Gly)

Gene: LAMA5 (laminin subunit alpha 5; minus strand). Cytogenetic location: 20q13.33.
Variant type: single nucleotide variant.
Coding change: c.10786C>G on transcript NM_005560.6 (MANE Select); coding-DNA position 10786, C replaced by G.
Protein change: p.Arg3596Gly; replaces arginine 3596 with glycine.
Molecular consequence: missense variant.
Genome position (GRCh38, 1-based): chr20:62,310,030, G>C on the plus strand (C>G on the coding strand, the complement: LAMA5 is on the minus strand). VCF-style: chr20-62310030-G-C. GRCh37 (hg19) VCF-style: chr20-60885086-G-C.
Other names: short protein forms R3596G.
Identifiers: ClinVar variation 2635134 (VCV002635134.1), dbSNP rs374679404, ClinGen allele CA409534206.